The following is an entry in ClinVar:

ClinVar aggregate classification (germline): Uncertain significance (1 of 4 stars; one submission).

Submission:

GeneDx
Classification: Uncertain significance. Last evaluated: 2025-08-07. Review status: criteria provided, single submitter. Criteria: GeneDx Variant Classification Process June 2021. Collection method: clinical testing. Allele origin: germline. Affected: yes.
Comment: Not observed at significant frequency in large population cohorts (gnomAD); In silico analysis supports that this missense variant has a deleterious effect on protein structure/function; Has not been previously published as pathogenic or benign to our knowledge

NM_001127222.2(CACNA1A):c.3818A>G (p.Asn1273Ser)

Gene: CACNA1A (calcium voltage-gated channel subunit alpha1 A; minus strand). Cytogenetic location: 19p13.13.
Variant type: single nucleotide variant.
Coding change: c.3818A>G on transcript NM_001127222.2 (MANE Select); coding-DNA position 3818, A replaced by G.
Protein change: p.Asn1273Ser; replaces asparagine 1273 with serine.
Molecular consequence: missense variant.
Genome position (GRCh38, 1-based): chr19:13,283,271, T>C on the plus strand (A>G on the coding strand, the complement: CACNA1A is on the minus strand). VCF-style: chr19-13283271-T-C. GRCh37 (hg19) VCF-style: chr19-13394085-T-C.
Other names: c.3830A>G, p.Asn1277Ser (NM_000068.4, NM_023035.3); c.3821A>G, p.Asn1274Ser (NM_001127221.2, NM_001174080.2); short protein forms N1273S, N1274S, N1277S.
Identifiers: ClinVar variation 3383659 (VCV003383659.2).